The following is an entry in ClinVar:

ClinVar aggregate classification (germline): Benign (0 of 4 stars; one submission).

Conditions:
DIP2B-related disorder. Also called: DIP2B-related condition.

Allele frequency attached by ClinVar (database versions not stated): 1000 Genomes Project 0.00919; 1000 Genomes Project 30x 0.00999; TOPMed 0.01432; gnomAD 0.01706; ESP Exome Variant Server 0.01768; ExAC 0.01978; gnomAD exomes 0.02125.
gnomAD v4.1: 33,405 of 1,613,748 alleles (2.1%); highest among the groups gnomAD compares: Non-Finnish European, 2.3%; 422 homozygotes.

Submission:

PreventionGenetics, part of Exact Sciences
Classification: Benign for DIP2B-related condition. Last evaluated: 2021-09-15. Review status: no assertion criteria provided. Collection method: clinical testing. Allele origin: germline.
Comment: This variant is classified as benign based on ACMG/AMP sequence variant interpretation guidelines (Richards et al. 2015 PMID: 25741868, with internal and published modifications).

NM_173602.3(DIP2B):c.1450C>T (p.Arg484Trp)

Gene: DIP2B (disco interacting protein 2 homolog B; plus strand). Cytogenetic location: 12q13.12.
Variant type: single nucleotide variant.
Coding change: c.1450C>T on transcript NM_173602.3 (MANE Select); coding-DNA position 1450, C replaced by T.
Protein change: p.Arg484Trp; replaces arginine 484 with tryptophan.
Molecular consequence: missense variant.
Genome position (GRCh38, 1-based): chr12:50,686,581, C>T. VCF-style: chr12-50686581-C-T. GRCh37 (hg19) VCF-style: chr12-51080364-C-T.
Other names: short protein forms R484W.
Identifiers: ClinVar variation 3037939 (VCV003037939.2), dbSNP rs74751916, ClinGen allele CA6564527.